The following is an entry in ClinVar:

ClinVar aggregate classification (germline): Conflicting classifications of pathogenicity. Review status: criteria provided, conflicting classifications (1 of 4 stars). 3 submissions from 3 submitters: Uncertain significance (2); Likely benign (1). Last evaluated 2024-06-04.

Conditions:
Hereditary cancer-predisposing syndrome. Also called: Neoplastic Syndromes, Hereditary; Hereditary Cancer Syndrome; Hereditary neoplastic syndrome; Tumor predisposition. Identifiers: Orphanet 140162, MedGen C0027672, MeSH D009386, MONDO:0015356.
Hereditary breast ovarian cancer syndrome. Also called: Hereditary breast and ovarian cancer syndrome (HBOC); Hereditary breast and ovarian cancer syndrome; Breast and ovarian cancer; Hereditary breast and/or ovarian cancer syndrome; Hereditary breast and ovarian cancer; BRCA1- and BRCA2-Associated Hereditary Breast and Ovarian Cancer. Identifiers: Orphanet 145, MedGen C0677776, MeSH D061325, MONDO:0003582. Disease mechanism: loss of function.

gnomAD v4.1: 1 of 1,600,532 alleles (0.000062%); highest among the groups gnomAD compares: Non-Finnish European, 0.000085%; no homozygotes.

Submissions (3):

Labcorp Genetics (formerly Invitae), Labcorp
Classification: Uncertain significance for Hereditary breast ovarian cancer syndrome. Last evaluated: 2024-06-04. Review status: criteria provided, single submitter. Criteria: Invitae Variant Classification Sherloc (09022015). Collection method: clinical testing. Allele origin: germline.
Comment: This sequence change replaces glutamic acid, which is acidic and polar, with lysine, which is basic and polar, at codon 897 of the BRCA2 protein (p.Glu897Lys). This variant is not present in population databases (gnomAD no frequency). This variant has not been reported in the literature in individuals affected with BRCA2-related conditions. ClinVar contains an entry for this variant (Variation ID: 462271). Advanced modeling of protein sequence and biophysical properties (such as structural, functional, and spatial information, amino acid conservation, physicochemical variation, residue mobility, and thermodynamic stability) performed at Invitae indicates that this missense variant is not expected to disrupt BRCA2 protein function with a negative predictive value of 95%. In summary, the available evidence is currently insufficient to determine the role of this variant in disease. Therefore, it has been classified as a Variant of Uncertain Significance.

University of Washington Department of Laboratory Medicine, University of Washington
Classification: Likely benign for Hereditary cancer-predisposing syndrome. Last evaluated: 2023-03-23. Review status: criteria provided, single submitter. Criteria: Dines et al. (Genet Med. 2020). Collection method: curation. Allele origin: germline.
Comment: Missense variant in a coldspot region where missense variants are very unlikely to be pathogenic (PMID:31911673).

BRCA2 exon 11 coldspot. Reclassification based on statistical prior probability.

Color Diagnostics, LLC DBA Color Health
Classification: Uncertain significance for Hereditary cancer-predisposing syndrome. Last evaluated: 2019-04-19. Review status: criteria provided, single submitter. Criteria: ACMG Guidelines, 2015. Collection method: clinical testing. Allele origin: germline.

NM_000059.4(BRCA2):c.2689G>A (p.Glu897Lys)

Gene: BRCA2 (BRCA2 DNA repair associated; plus strand). Cytogenetic location: 13q13.1.
Variant type: single nucleotide variant.
Coding change: c.2689G>A on transcript NM_000059.4 (MANE Select); coding-DNA position 2689, G replaced by A.
Protein change: p.Glu897Lys; replaces glutamic acid 897 with lysine.
Molecular consequence: missense variant.
Genome position (GRCh38, 1-based): chr13:32,337,044, G>A. VCF-style: chr13-32337044-G-A. GRCh37 (hg19) VCF-style: chr13-32911181-G-A.
Other names: short protein forms E897K.
Identifiers: ClinVar variation 462271 (VCV000462271.14), dbSNP rs979372317, ClinGen allele CA247502815.
Genomic context (GRCh38, chr13:32,337,044, plus strand): 5'-CCAGACTCTGAAGAACTTTTCTCAGACAATGAGAATAATTTTGTCTTCCAAGTAGCTAAT[G>A]AAAGGAATAATCTTGCTTTAGGAAATACTAAGGAACTTCATGAAACAGACTTGACTTGTG-3'
Protein context (NP_000050.3, residues 887-907): ENNFVFQVAN[Glu897Lys]RNNLALGNTK